The following is an entry in ClinVar:

ClinVar aggregate classification (germline): Uncertain significance (1 of 4 stars; one submission).

Submission:

Women's Health and Genetics/Laboratory Corporation of America, LabCorp
Classification: Uncertain significance. Last evaluated: 2025-11-25. Review status: criteria provided, single submitter. Criteria: LabCorp Variant Classification Summary - May 2015. Collection method: clinical testing. Allele origin: germline.
Comment: Variant summary: LAGE3 c.-14G>A is located in the untranslated mRNA region upstream of the initiation codon. The variant allele was found at a frequency of 0.00014 in 21787 control chromosomes. The available data on variant occurrences in the general population are insufficient to allow any conclusion about variant significance. To our knowledge, no occurrence of c.-14G>A in individuals affected with LAGE3-related conditions and no experimental evidence demonstrating its impact on protein function have been reported. No submitters have cited clinical-significance assessments for this variant to ClinVar. Based on the evidence outlined above, the variant was classified as uncertain significance.

NM_006014.5(LAGE3):c.-14G>A

Gene: LAGE3 (L antigen family member 3; minus strand). Cytogenetic location: Xq28.
Variant type: single nucleotide variant.
Coding change: c.-14G>A on transcript NM_006014.5 (MANE Select); 14 bases upstream of the start codon, G replaced by A.
Molecular consequence: 5 prime UTR variant.
Genome position (GRCh38, 1-based): chrX:154,478,929, C>T on the plus strand (G>A on the coding strand, the complement: LAGE3 is on the minus strand). VCF-style: chrX-154478929-C-T. GRCh37 (hg19) VCF-style: chrX-153707268-C-T.
Identifiers: ClinVar variation 4537184 (VCV004537184.1).